The following is an entry in ClinVar:

NM_018979.4(WNK1):c.476G>C (p.Ser159Thr)

Gene: WNK1 (WNK lysine deficient protein kinase 1; plus strand). Cytogenetic location: 12p13.33.
Variant type: single nucleotide variant.
Coding change: c.476G>C on transcript NM_018979.4 (MANE Select); coding-DNA position 476, G replaced by C.
Protein change: p.Ser159Thr; replaces serine 159 with threonine.
Molecular consequence: missense variant.
Genome position (GRCh38, 1-based): chr12:754,041, G>C. VCF-style: chr12-754041-G-C. GRCh37 (hg19) VCF-style: chr12-863207-G-C.
Other names: c.476G>C, p.Ser159Thr (NM_001184985.2, NM_014823.3, NM_213655.5); short protein forms S159T.
Identifiers: ClinVar variation 3747928 (VCV003747928.2).

ClinVar aggregate classification (germline): Uncertain significance (1 of 4 stars; one submission).

Conditions:
Neuropathy, hereditary sensory and autonomic, type 2A (HSAN2A). Also called: ACROOSTEOLYSIS, GIACCAI TYPE; ACROOSTEOLYSIS, NEUROGENIC; MORVAN DISEASE; NEUROPATHY, CONGENITAL SENSORY; NEUROPATHY, HEREDITARY SENSORY RADICULAR, AUTOSOMAL RECESSIVE; NEUROPATHY, HEREDITARY SENSORY, TYPE IIA. Identifiers: Orphanet 970, MedGen C2752089, MONDO:0024309, OMIM 201300.
Pseudohypoaldosteronism type 2C (PHA2C). Also called: Pseudohypoaldosteronism Type IIC. Identifiers: Orphanet 757, Orphanet 88940, MedGen C1840391, MONDO:0013778, OMIM 614492.

Submission:

Labcorp Genetics (formerly Invitae), Labcorp
Classification: Uncertain significance for Neuropathy, hereditary sensory and autonomic, type 2A; Pseudohypoaldosteronism type 2C. Last evaluated: 2024-09-23. Review status: criteria provided, single submitter. Criteria: Invitae Variant Classification Sherloc (09022015). Collection method: clinical testing. Allele origin: germline.
Comment: This sequence change replaces serine, which is neutral and polar, with threonine, which is neutral and polar, at codon 159 of the WNK1 protein (p.Ser159Thr). This variant is not present in population databases (gnomAD no frequency). This variant has not been reported in the literature in individuals affected with WNK1-related conditions. Invitae Evidence Modeling of protein sequence and biophysical properties (such as structural, functional, and spatial information, amino acid conservation, physicochemical variation, residue mobility, and thermodynamic stability) indicates that this missense variant is not expected to disrupt WNK1 protein function with a negative predictive value of 95%. In summary, the available evidence is currently insufficient to determine the role of this variant in disease. Therefore, it has been classified as a Variant of Uncertain Significance.